The following is an entry in ClinVar:

NM_004247.4(EFTUD2):c.1045T>G (p.Phe349Val)

Gene: EFTUD2 (elongation factor Tu GTP binding domain containing 2; minus strand). Cytogenetic location: 17q21.31.
Variant type: single nucleotide variant.
Coding change: c.1045T>G on transcript NM_004247.4 (MANE Select); coding-DNA position 1045, T replaced by G.
Protein change: p.Phe349Val; replaces phenylalanine 349 with valine.
Molecular consequence: missense variant.
Genome position (GRCh38, 1-based): chr17:44,868,300, A>C on the plus strand (T>G on the coding strand, the complement: EFTUD2 is on the minus strand). VCF-style: chr17-44868300-A-C. GRCh37 (hg19) VCF-style: chr17-42945668-A-C.
Other names: c.940T>G, p.Phe314Val (NM_001142605.2); c.1045T>G, p.Phe349Val (NM_001258353.2); c.1015T>G, p.Phe339Val (NM_001258354.2); short protein forms F314V, F339V, F349V.
Identifiers: ClinVar variation 1314584 (VCV001314584.4), dbSNP rs1170530911, ClinGen allele CA399816316.

ClinVar aggregate classification (germline): Uncertain significance. Review status: criteria provided, multiple submitters, no conflicts (2 of 4 stars). 2 submissions from 2 submitters: Uncertain significance (2). Last evaluated 2021-04-09.

Conditions:
Inborn genetic diseases. Identifiers: MedGen C0950123, MeSH D030342.

Allele frequency attached by ClinVar (database versions not stated): TOPMed below 0.00001; gnomAD 0.00001.
gnomAD v4.1: 2 of 1,613,956 alleles (0.00012%); highest among the groups gnomAD compares: African/African-American, 0.0013%; no homozygotes.

Submissions (2):

GeneDx
Classification: Uncertain significance. Last evaluated: 2021-04-09. Review status: criteria provided, single submitter. Criteria: GeneDx Variant Classification Process June 2021. Collection method: clinical testing. Allele origin: germline. Affected: yes.
Comment: Not observed in large population cohorts (Lek et al., 2016); In silico analysis supports that this missense variant has a deleterious effect on protein structure/function; Has not been previously published as pathogenic or benign to our knowledge

Ambry Genetics
Classification: Uncertain significance for Inborn genetic diseases. Last evaluated: 2020-11-13. Review status: criteria provided, single submitter. Criteria: Ambry Variant Classification Scheme 2023. Collection method: clinical testing. Allele origin: germline.